The following is an entry in ClinVar:

NM_000051.4(ATM):c.8151+5G>T

Genes: ATM (ATM serine/threonine kinase; plus strand), C11orf65 (chromosome 11 open reading frame 65; minus strand). Cytogenetic location: 11q22.3.
Variant type: single nucleotide variant.
Coding change: c.8151+5G>T on transcript NM_000051.4 (MANE Select); 5 bases into the intron after coding-DNA position 8151, G replaced by T.
Molecular consequence: intron variant.
Genome position (GRCh38, 1-based): chr11:108,335,114, G>T. VCF-style: chr11-108335114-G-T. GRCh37 (hg19) VCF-style: chr11-108205841-G-T.
Other names: c.8151+5G>T (NM_001351834.2); c.641-26043C>A (NM_001330368.2); c.*38+106C>A (NM_001351110.2).
Identifiers: ClinVar variation 2745521 (VCV002745521.3), dbSNP rs1555127370, ClinGen allele CA2697558882.
Genomic context (GRCh38, chr11:108,335,114, plus strand): 5'-CAAAAATAATAGATTGTGTAGGTTCCGATGGCAAGGAGAGGAGACAGCTTGTTAAGGTGA[G>T]CCTTCCCTTCTCTGGCTTAGCCCTTAGAGTTTTAGTGATGAAAATTTTTAGTTCATATTT-3'

ClinVar aggregate classification (germline): Uncertain significance (1 of 4 stars; one submission).

Conditions:
Ataxia-telangiectasia syndrome (AT). Also called: LOUIS-BAR SYNDROME; Cerebello-oculocutaneous telangiectasia; Immunodeficiency with ataxia telangiectasia; Ataxia telangiectasia (A-T); Ataxia-telangiectasia, complementation group D; AT, COMPLEMENTATION GROUP C. Identifiers: Orphanet 100, MedGen C0004135, MONDO:0008840, OMIM 208900.

Submission:

Labcorp Genetics (formerly Invitae), Labcorp
Classification: Uncertain significance for Ataxia-telangiectasia syndrome. Last evaluated: 2025-06-01. Review status: criteria provided, single submitter. Criteria: Invitae Variant Classification Sherloc (09022015). Collection method: clinical testing. Allele origin: germline.
Comment: This sequence change falls in intron 55 of the ATM gene. It does not directly change the encoded amino acid sequence of the ATM protein. It affects a nucleotide within the consensus splice site. This variant is not present in population databases (gnomAD no frequency). This variant has not been reported in the literature in individuals affected with ATM-related conditions. ClinVar contains an entry for this variant (Variation ID: 2745521). Variants that disrupt the consensus splice site are a relatively common cause of aberrant splicing (PMID: 17576681, 9536098). Algorithms developed to predict the effect of sequence changes on RNA splicing suggest that this variant may disrupt the consensus splice site. In summary, the available evidence is currently insufficient to determine the role of this variant in disease. Therefore, it has been classified as a Variant of Uncertain Significance.

Literature cited by the submitters: PubMed 17576681; PubMed 9536098.